The following is an entry in ClinVar:

NM_001370259.2(MEN1):c.772C>G (p.Gln258Glu)

Gene: MEN1 (menin 1; minus strand). Cytogenetic location: 11q13.1.
Variant type: single nucleotide variant.
Coding change: c.772C>G on transcript NM_001370259.2 (MANE Select); coding-DNA position 772, C replaced by G.
Protein change: p.Gln258Glu; replaces glutamine 258 with glutamic acid.
Molecular consequence: missense variant.
Genome position (GRCh38, 1-based): chr11:64,807,563, G>C on the plus strand (C>G on the coding strand, the complement: MEN1 is on the minus strand). VCF-style: chr11-64807563-G-C. GRCh37 (hg19) VCF-style: chr11-64575035-G-C.
Other names: c.787C>G, p.Gln263Glu (NM_000244.4, NM_130800.3, NM_130801.3 and 3 more transcripts); c.772C>G, p.Gln258Glu (NM_001370251.2, NM_001370260.2, NM_001370261.2 and 1 more transcripts); c.667C>G, p.Gln223Glu (NM_001370262.2, NM_001370263.2); short protein forms Q258E, Q263E, Q223E.
Identifiers: ClinVar variation 569387 (VCV000569387.18), dbSNP rs886039416, ClinGen allele CA381184170.

ClinVar aggregate classification (germline): Uncertain significance. Review status: criteria provided, multiple submitters, no conflicts (2 of 4 stars). 3 submissions from 3 submitters: Uncertain significance (3). Last evaluated 2025-12-02.

Conditions:
Multiple endocrine neoplasia, type 1 (MEN1). Also called: WERMER SYNDROME; Endocrine adenomatosis multiple; MEN 1; MEA I; MEN I. Identifiers: Orphanet 652, MedGen C0025267, MeSH D018761, MONDO:0007540, OMIM 131100.
Hereditary cancer-predisposing syndrome. Also called: Hereditary neoplastic syndrome; Neoplastic Syndromes, Hereditary; Hereditary Cancer Syndrome; Tumor predisposition. Identifiers: Orphanet 140162, MedGen C0027672, MeSH D009386, MONDO:0015356.

Allele frequency attached by ClinVar (database versions not stated): gnomAD exomes below 0.00001.
gnomAD v4.1: 2 of 1,614,128 alleles (0.00012%); highest among the groups gnomAD compares: Non-Finnish European, 0.00017%; no homozygotes.

Submissions (3):

Ambry Genetics
Classification: Uncertain significance for Hereditary cancer-predisposing syndrome. Last evaluated: 2025-12-02. Review status: criteria provided, single submitter. Criteria: Ambry Variant Classification Scheme 2023. Collection method: clinical testing. Allele origin: germline.
Comment: The p.Q258E variant (also known as c.772C>G), located in coding exon 3 of the MEN1 gene, results from a C to G substitution at nucleotide position 772. The glutamine at codon 258 is replaced by glutamic acid, an amino acid with highly similar properties. This amino acid position is well conserved in available vertebrate species. In addition, the in silico prediction for this alteration is inconclusive. Based on the available evidence, the clinical significance of this variant remains unclear.

Labcorp Genetics (formerly Invitae), Labcorp
Classification: Uncertain significance for Multiple endocrine neoplasia, type 1. Last evaluated: 2025-03-12. Review status: criteria provided, single submitter. Criteria: Invitae Variant Classification Sherloc (09022015). Collection method: clinical testing. Allele origin: germline.
Comment: This sequence change replaces glutamine, which is neutral and polar, with glutamic acid, which is acidic and polar, at codon 258 of the MEN1 protein (p.Gln258Glu). This variant is not present in population databases (gnomAD no frequency). This variant has not been reported in the literature in individuals affected with MEN1-related conditions. ClinVar contains an entry for this variant (Variation ID: 569387). Invitae Evidence Modeling of protein sequence and biophysical properties (such as structural, functional, and spatial information, amino acid conservation, physicochemical variation, residue mobility, and thermodynamic stability) has been performed for this missense variant. However, the output from this modeling did not meet the statistical confidence thresholds required to predict the impact of this variant on MEN1 protein function. In summary, the available evidence is currently insufficient to determine the role of this variant in disease. Therefore, it has been classified as a Variant of Uncertain Significance.

All of Us Research Program, National Institutes of Health
Classification: Uncertain significance for Multiple endocrine neoplasia, type 1. Last evaluated: 2023-06-26. Review status: criteria provided, single submitter. Criteria: ACMG Guidelines, 2015. Collection method: clinical testing. Allele origin: germline. Inheritance: Autosomal dominant inheritance. Observed: 2 variant alleles, 2 heterozygotes.
Comment: This missense variant replaces glutamine with glutamic acid at codon 258 of the MEN1 protein. Computational prediction is inconclusive regarding the impact of this variant on protein structure and function (internally defined REVEL score threshold 0.5 < inconclusive < 0.7, PMID: 27666373). To our knowledge, functional studies have not been reported for this variant. This variant has been reported in an individual affected with breast cancer (PMID: 33471991). This variant has not been identified in the general population by the Genome Aggregation Database (gnomAD). The available evidence is insufficient to determine the role of this variant in disease conclusively. Therefore, this variant is classified as a Variant of Uncertain Significance.

This study involves interpretation of variants in research participants for the purpose of population health screening. Participant phenotype was not available at the time of variant classification. Additional details can be found in publication PMID: 35346344, PMCID: PMC8962531

Literature cited by the submitters: PubMed 33471991 (cited by Ambry Genetics and All of Us Research Program, National Institutes of Health).